The following is an entry in ClinVar:

ClinVar aggregate classification (germline): Uncertain significance (1 of 4 stars; one submission).

Conditions:
Inborn genetic diseases. Identifiers: MedGen C0950123, MeSH D030342.

Allele frequency attached by ClinVar (database versions not stated): ExAC 0.00003.
gnomAD v4.1: 16 of 1,614,138 alleles (0.00099%); highest among the groups gnomAD compares: South Asian, 0.0099%; no homozygotes.

Submission:

Ambry Genetics
Classification: Uncertain significance for Inborn genetic diseases. Last evaluated: 2020-07-09. Review status: criteria provided, single submitter. Criteria: Ambry Variant Classification Scheme 2023. Collection method: clinical testing. Allele origin: germline.
Comment: The p.P661R variant (also known as c.1982C>G), located in coding exon 18 of the SBF2 gene, results from a C to G substitution at nucleotide position 1982. The proline at codon 661 is replaced by arginine, an amino acid with dissimilar properties. This amino acid position is well conserved in available vertebrate species. In addition, this alteration is predicted to be tolerated by in silico analysis. Since supporting evidence is limited at this time, the clinical significance of this alteration remains unclear.

NM_030962.4(SBF2):c.1982C>G (p.Pro661Arg)

Genes: SBF2 (SET binding factor 2; minus strand), LOC101928008 (uncharacterized LOC101928008; plus strand). Cytogenetic location: 11p15.4.
Variant type: single nucleotide variant.
Coding change: c.1982C>G on transcript NM_030962.4 (MANE Select); coding-DNA position 1982, C replaced by G.
Protein change: p.Pro661Arg; replaces proline 661 with arginine.
Molecular consequence: missense variant.
Genome position (GRCh38, 1-based): chr11:9,858,344, G>C on the plus strand (C>G on the coding strand, the complement: SBF2 is on the minus strand). VCF-style: chr11-9858344-G-C. GRCh37 (hg19) VCF-style: chr11-9879891-G-C.
Other names: c.1982C>G, p.Pro661Arg (NM_001386339.1); c.1853C>G, p.Pro618Arg (NM_001386342.1); short protein forms P661R, P618R.
Identifiers: ClinVar variation 1783832 (VCV001783832.2), dbSNP rs746054770, ClinGen allele CA5881667.
Genomic context (GRCh38, chr11:9,858,344, plus strand): 5'-ACCTGTTCCTGCACTGCATTGTAAAAGGTTGTCTCCCAAAATTGCTGATTTGTCCAAATG[G>C]GGTGGTCTTGTACACACGTGTAAGCAAACTGGCTGACTCCAGGGGCAAGTTTCTGTGAGA-3'
Protein context (NP_112224.1, residues 651-671): QFAYTCVQDH[Pro661Arg]IWTNQQFWET